The following is an entry in ClinVar:

NM_005159.5(ACTC1):c.527C>T (p.Ala176Val)

Genes: GJD2-DT (GJD2 divergent transcript; plus strand), ACTC1 (actin alpha cardiac muscle 1; minus strand). Cytogenetic location: 15q14.
Variant type: single nucleotide variant.
Coding change: c.527C>T on transcript NM_005159.5 (MANE Select); coding-DNA position 527, C replaced by T.
Protein change: p.Ala176Val; replaces alanine 176 with valine.
Molecular consequence: missense variant.
Genome position (GRCh38, 1-based): chr15:34,792,497, G>A on the plus strand (C>T on the coding strand, the complement: ACTC1 is on the minus strand). VCF-style: chr15-34792497-G-A. GRCh37 (hg19) VCF-style: chr15-35084698-G-A.
Other names: short protein forms A176V.
Identifiers: ClinVar variation 1402129 (VCV001402129.8), dbSNP rs2140430933, ClinGen allele CA391631032.

ClinVar aggregate classification (germline): Uncertain significance (1 of 4 stars; one submission).

Conditions:
Hypertrophic cardiomyopathy 11. Also called: ACTC1-Related Familial Hypertrophic Cardiomyopathy. Identifiers: MedGen C2677506, MONDO:0012799, OMIM 612098.
Dilated cardiomyopathy 1R (CMD1R). Identifiers: Orphanet 154, Orphanet 54260, MedGen C3150681, MONDO:0013261, OMIM 613424.
Atrial septal defect 5 (ASD5). Identifiers: Orphanet 1478, MedGen C2748552, MONDO:0013011, OMIM 612794.

Submission:

Labcorp Genetics (formerly Invitae), Labcorp
Classification: Uncertain significance for Dilated cardiomyopathy 1R; Hypertrophic cardiomyopathy 11; Atrial septal defect 5. Last evaluated: 2025-11-05. Review status: criteria provided, single submitter. Criteria: Invitae Variant Classification Sherloc (09022015). Collection method: clinical testing. Allele origin: germline.
Comment: This sequence change replaces alanine, which is neutral and non-polar, with valine, which is neutral and non-polar, at codon 176 of the ACTC1 protein (p.Ala176Val). This variant is not present in population databases (gnomAD no frequency). This variant has not been reported in the literature in individuals affected with ACTC1-related conditions. ClinVar contains an entry for this variant (Variation ID: 1402129). Invitae Evidence Modeling of protein sequence and biophysical properties (such as structural, functional, and spatial information, amino acid conservation, physicochemical variation, residue mobility, and thermodynamic stability) has been performed for this missense variant. However, the output from this modeling did not meet the statistical confidence thresholds required to predict the impact of this variant on ACTC1 protein function. In summary, the available evidence is currently insufficient to determine the role of this variant in disease. Therefore, it has been classified as a Variant of Uncertain Significance.